The following is an entry in ClinVar:

NM_138393.4(REEP6):c.3G>C (p.Met1Ile)

Genes: REEP6 (receptor accessory protein 6; plus strand), LOC130062962 (ATAC-STARR-seq lymphoblastoid silent region 9723; plus strand). Cytogenetic location: 19p13.3.
Variant type: single nucleotide variant.
Coding change: c.3G>C on transcript NM_138393.4 (MANE Select); coding-DNA position 3, G replaced by C.
Protein change: p.Met1Ile; changes the start codon (methionine 1).
Molecular consequence: missense variant, initiator codon variant.
Genome position (GRCh38, 1-based): chr19:1,491,272, G>C. VCF-style: chr19-1491272-G-C. GRCh37 (hg19) VCF-style: chr19-1491271-G-C.
Other names: c.3G>C, p.Met1Ile (NM_001329556.3); short protein forms M1I.
Identifiers: ClinVar variation 4880916 (VCV004880916.2).
Genomic context (GRCh38, chr19:1,491,272, plus strand): 5'-GGTGGGTGCCCTGGTCCGCGGGCGAGCTCGAGCAGCCAACCCCGGGCGCGTCGGGGCCAT[G>C]GACGGCCTGAGGCAGCGCGTGGAGCACTTCCTGGAGCAAAGGAACCTGGTCACCGAAGTG-3'
Protein context (NP_612402.1, residues 1-11): [Met1Ile]DGLRQRVEHF

ClinVar aggregate classification (germline): Uncertain significance (1 of 4 stars; one submission).

Conditions:
Retinitis pigmentosa 77 (RP77). Identifiers: MedGen C4310626, MONDO:0015013, OMIM 617304.

Submission:

Dasa
Classification: Uncertain significance for Retinitis pigmentosa 77. Last evaluated: 2024-10-30. Review status: criteria provided, single submitter. Criteria: DASA Assertion Criteria. Collection method: clinical testing. Allele origin: germline.
Comment: NM_138393.4(REEP6):c.3G>C (p.Met1?) is a start-loss variant predicted to alter the translation initiation codon and impair normal protein translation. This variant has been observed in affected individuals with REEP6-related disorders. Also, this variant is rare in population databases. The currently available literature and clinical evidence are not sufficient to establish a definitive association between this variant and the reported condition. Therefore, this variant is classified as a variant of uncertain significance.